The following is an entry in ClinVar:

NM_000455.5(STK11):c.347_350dup (p.Leu117fs)

Gene: STK11 (serine/threonine kinase 11; plus strand). Cytogenetic location: 19p13.3.
Variant type: Duplication.
Coding change: c.347_350dup on transcript NM_000455.5 (MANE Select); coding-DNA positions 347 to 350, 4 bases duplicated (TGTT; older notation c.347_350dupTGTT).
Protein change: p.Leu117fs; shifts the reading frame from leucine 117.
Molecular consequence: frameshift variant.
Genome position (GRCh38, 1-based): chr19:1,218,473-1,218,476, TGTT duplicated. VCF-style (leftmost placement, unchanged base first): chr19-1218472-G-GTGTT. GRCh37 (hg19) VCF-style: chr19-1218471-G-GTGTT.
Other names: short protein forms L117fs.
Identifiers: ClinVar variation 1439805 (VCV001439805.6), dbSNP rs2145420751, ClinGen allele CA2573155749.

ClinVar aggregate classification (germline): Pathogenic (1 of 4 stars; one submission).

Conditions:
Peutz-Jeghers syndrome (PJS). Also called: POLYPOSIS, HAMARTOMATOUS INTESTINAL; POLYPS-AND-SPOTS SYNDROME; Peutz-Jeghers polyposis; Periorificial lentiginosis syndrome. Identifiers: Orphanet 2869, MedGen C0031269, MeSH D010580, MONDO:0008280, OMIM 175200.

Submission:

Labcorp Genetics (formerly Invitae), Labcorp
Classification: Pathogenic for Peutz-Jeghers syndrome. Last evaluated: 2021-04-28. Review status: criteria provided, single submitter. Criteria: Invitae Variant Classification Sherloc (09022015). Collection method: clinical testing. Allele origin: germline.
Comment: This variant has not been reported in the literature in individuals with STK11-related conditions. For these reasons, this variant has been classified as Pathogenic. This variant is not present in population databases (ExAC no frequency). This sequence change creates a premature translational stop signal (p.Leu117Phefs*47) in the STK11 gene. It is expected to result in an absent or disrupted protein product. Loss-of-function variants in STK11 are known to be pathogenic (PMID: 15188174, 16287113).

Literature cited by the submitters: PubMed 15188174; PubMed 16287113.